The following is an entry in ClinVar:

NC_000015.9:g.(?_51755556)_(51773840_?)dup

Gene: DMXL2 (Dmx like 2; minus strand). Cytogenetic location: 15q21.2.
Variant type: Duplication.
Identifiers: ClinVar variation 3243869 (VCV003243869.1).

ClinVar aggregate classification (germline): Likely pathogenic (1 of 4 stars; one submission).

Submission:

Labcorp Genetics (formerly Invitae), Labcorp
Classification: Likely pathogenic. Last evaluated: 2023-09-18. Review status: criteria provided, single submitter. Criteria: Invitae Variant Classification Sherloc (09022015). Collection method: clinical testing. Allele origin: unknown.
Comment: In summary, the currently available evidence indicates that the variant is pathogenic, but additional data are needed to prove that conclusively. Therefore, this variant has been classified as Likely Pathogenic. This variant results in a copy number gain of the genomic region encompassing exon(s) 24-33 of the DMXL2 gene. While the exact position of this variant cannot be determined from the data, sub-genic copy number gains are generally in tandem (PMID: 25640679). This variant is predicted to be out-of-frame, and may result in an absent or disrupted protein product. Loss-of-function variants in DMXL2 are known to be pathogenic (PMID: 30237576, 31688942). This variant has not been reported in the literature in individuals affected with DMXL2-related conditions.

Literature cited by the submitters: PubMed 25640679; PubMed 30237576; PubMed 31688942.